The following is an entry in ClinVar:

ClinVar aggregate classification (germline): Pathogenic. Review status: criteria provided, multiple submitters, no conflicts (2 of 4 stars). 3 submissions from 3 submitters: Pathogenic (2). 1 of the submissions does not count toward it. Last evaluated 2023-07-21.

Conditions:
TRPC6-related disorder. Also called: TRPC6-related condition.
Nephrotic syndrome. Identifiers: MedGen C0027726, MONDO:0005377, HP:0000100.
Focal segmental glomerulosclerosis 2 (FSGS2). Identifiers: Orphanet 656, MedGen C1858915, MONDO:0011390, OMIM 603965.

Submissions (3):

PreventionGenetics, part of Exact Sciences
Classification: Pathogenic for TRPC6-related condition. Last evaluated: 2023-07-21. Review status: criteria provided, single submitter. Criteria: ACMG Guidelines, 2015. Collection method: clinical testing. Allele origin: germline.
Comment: The TRPC6 c.2684G>T variant is predicted to result in the amino acid substitution p.Arg895Leu. This variant was reported in individuals with glomerulosclerosis/steroid-resistant nephrotic syndrome (SRNS); in at least three individuals, this variant arose de novo (Gigante et al. 2011. PubMed ID: 21734084; Mann et al. 2019. PubMed ID: 30655312; Sun et al. 2021. PubMed ID: 33657698). This variant has not been reported in a large population database, indicating this variant is rare. This variant is interpreted as pathogenic.

Fulgent Genetics
Classification: Pathogenic for Focal segmental glomerulosclerosis 2. Last evaluated: 2022-04-13. Review status: criteria provided, single submitter. Criteria: ACMG Guidelines, 2015. Collection method: clinical testing. Allele origin: unknown.

Yale Center for Mendelian Genomics, Yale University
Classification: Pathogenic for Nephrotic syndrome. Last evaluated: 2019-01-17. Review status: no assertion criteria provided. Collection method: literature only. Allele origin: germline. Affected: yes. Observed: 1 heterozygote. Study: Yale Center for Mendelian Genomics. Not counted in ClinVar's aggregate classification.

Literature cited by the submitters: PubMed 30655312 (cited by Yale Center for Mendelian Genomics, Yale University).

NM_004621.6(TRPC6):c.2684G>T (p.Arg895Leu)

Gene: TRPC6 (transient receptor potential cation channel subfamily C member 6; minus strand). Cytogenetic location: 11q22.1.
Variant type: single nucleotide variant.
Coding change: c.2684G>T on transcript NM_004621.6 (MANE Select); coding-DNA position 2684, G replaced by T.
Protein change: p.Arg895Leu; replaces arginine 895 with leucine.
Molecular consequence: missense variant.
Genome position (GRCh38, 1-based): chr11:101,453,067, C>A on the plus strand (G>T on the coding strand, the complement: TRPC6 is on the minus strand). VCF-style: chr11-101453067-C-A. GRCh37 (hg19) VCF-style: chr11-101323798-C-A.
Other names: short protein forms R895L.
Identifiers: ClinVar variation 1344650 (VCV001344650.3), dbSNP rs1591517912, ClinGen allele CA382486995.
Genomic context (GRCh38, chr11:101,453,067, plus strand): 5'-TCTCTAATAAGTTCTGCTAGGTCTTCTGTATTCTGAGATTTTTCTTCAAGGAGTTCATAG[C>A]GGAGACTTGAGATGTCCTGCTTAATTTCCTTCAGTTCCCCTTTGAAAGCAAGAGTGATAA-3'
Protein context (NP_004612.2, residues 885-905): KEIKQDISSL[Arg895Leu]YELLEEKSQN